The following is an entry in ClinVar:

NM_006070.6(TFG):c.415+16A>G

Gene: TFG (trafficking from ER to golgi regulator; plus strand). Cytogenetic location: 3q12.2.
Variant type: single nucleotide variant.
Coding change: c.415+16A>G on transcript NM_006070.6 (MANE Select); 16 bases into the intron after coding-DNA position 415, A replaced by G.
Molecular consequence: intron variant.
Genome position (GRCh38, 1-based): chr3:100,728,874, A>G. VCF-style: chr3-100728874-A-G. GRCh37 (hg19) VCF-style: chr3-100447718-A-G.
Other names: c.415+16A>G (NM_001007565.2, NM_001195479.2, NM_001195478.2).
Identifiers: ClinVar variation 380301 (VCV000380301.58), dbSNP rs201290760, ClinGen allele CA2517071.
Genomic context (GRCh38, chr3:100,728,874, plus strand): 5'-AACCACCTGGAGAACCAGGACCTTCCACCAATATTCCTGAAAATGGTAAACCCTGAATCC[A>G]TTGTATTCTGACTTATTGTTCTTACGTCTTTTTGGAGGTTTTAAAAAACTCTTTTTAAGT-3'

ClinVar aggregate classification (germline): Benign. Review status: criteria provided, multiple submitters, no conflicts (2 of 4 stars). 5 submissions from 5 submitters: Benign (3). 2 of the submissions do not count toward it. Last evaluated 2026-02-01.

Conditions:
Hereditary spastic paraplegia 57. Also called: Spastic paraplegia 57, autosomal recessive. Identifiers: Orphanet 431329, MedGen C3714897, MONDO:0014295, OMIM 615658.
Hereditary motor and sensory neuropathy, Okinawa type (HMSNO). Also called: HEREDITARY MOTOR AND SENSORY NEUROPATHY, PROXIMAL TYPE. Identifiers: Orphanet 90117, MedGen C1858338, MONDO:0011468, OMIM 604484.

Allele frequency attached by ClinVar (database versions not stated): 1000 Genomes Project 0.00020; 1000 Genomes Project 30x 0.00047; TOPMed 0.00198; gnomAD 0.00208 and 0.00215; ESP Exome Variant Server 0.00231; gnomAD exomes 0.00276; ExAC 0.00306.
gnomAD v4.1: 4,728 of 1,584,602 alleles (0.3%); highest among the groups gnomAD compares: Non-Finnish European, 0.35%; 16 homozygotes.

Submissions (5):

Labcorp Genetics (formerly Invitae), Labcorp
Classification: Benign for Hereditary motor and sensory neuropathy, Okinawa type; Hereditary spastic paraplegia 57. Last evaluated: 2026-02-01. Review status: criteria provided, single submitter. Criteria: Invitae Variant Classification Sherloc (09022015). Collection method: clinical testing. Allele origin: germline.

ARUP Laboratories, Molecular Genetics and Genomics, ARUP Laboratories
Classification: Benign. Last evaluated: 2023-09-14. Review status: criteria provided, single submitter. Criteria: ARUP Molecular Germline Variant Investigation Process 2024. Collection method: clinical testing. Allele origin: germline.

GeneDx
Classification: Benign. Last evaluated: 2016-10-18. Review status: criteria provided, single submitter. Criteria: GeneDx Variant Classification (06012015). Collection method: clinical testing. Allele origin: germline. Affected: yes.
Comment: This variant is considered likely benign or benign based on one or more of the following criteria: it is a conservative change, it occurs at a poorly conserved position in the protein, it is predicted to be benign by multiple in silico algorithms, and/or has population frequency not consistent with disease.

Clinical Genetics, Academic Medical Center
Classification: Benign. Review status: no assertion criteria provided. Collection method: clinical testing. Allele origin: germline. Affected: yes. Study: VKGL Data-share Consensus. Not counted in ClinVar's aggregate classification.

Genome Diagnostics Laboratory, University Medical Center Utrecht
Classification: Likely benign. Review status: no assertion criteria provided. Collection method: clinical testing. Allele origin: germline. Affected: yes. Study: VKGL Data-share Consensus. Not counted in ClinVar's aggregate classification.